The following is an entry in ClinVar:

ClinVar aggregate classification (germline): Likely benign. Review status: criteria provided, multiple submitters, no conflicts (2 of 4 stars). 2 submissions from 2 submitters: Likely benign (2). Last evaluated 2024-10-28.

Conditions:
Long QT syndrome (LQTS). Identifiers: MedGen C0023976, MeSH D008133, MONDO:0002442. Disease mechanism: loss of function. Inheritance: Various modes of inheritance.
Cardiovascular phenotype. Identifiers: MedGen CN230736.

Submissions (2):

Ambry Genetics
Classification: Likely benign for Cardiovascular phenotype. Last evaluated: 2024-10-28. Review status: criteria provided, single submitter. Criteria: Ambry Variant Classification Scheme 2023. Collection method: clinical testing. Allele origin: germline.

All of Us Research Program, National Institutes of Health
Classification: Likely benign for Long QT syndrome. Last evaluated: 2023-12-13. Review status: criteria provided, single submitter. Criteria: ACMG Guidelines, 2015. Collection method: clinical testing. Allele origin: germline. Inheritance: Autosomal dominant inheritance. Observed: 1 variant allele, 1 heterozygote.
Comment: This study involves interpretation of variants in research participants for the purpose of population health screening. Participant phenotype was not available at the time of variant classification. Additional details can be found in publication PMID: 35346344, PMCID: PMC8962531

NM_000238.4(KCNH2):c.3474C>A (p.Gly1158=)

Gene: KCNH2 (potassium voltage-gated channel subfamily H member 2; minus strand). Cytogenetic location: 7q36.1.
Variant type: single nucleotide variant.
Coding change: c.3474C>A on transcript NM_000238.4 (MANE Select); coding-DNA position 3474, C replaced by A.
Protein change: p.Gly1158=; no amino-acid change (glycine 1158 retained).
Molecular consequence: synonymous variant. On other transcripts: non-coding transcript variant (2).
Genome position (GRCh38, 1-based): chr7:150,945,371, G>T on the plus strand (C>A on the coding strand, the complement: KCNH2 is on the minus strand). VCF-style: chr7-150945371-G-T. GRCh37 (hg19) VCF-style: chr7-150642459-G-T.
Other names: c.3186C>A, p.Gly1062= (NM_001406753.1); c.2454C>A, p.Gly818= (NM_172057.3).
Identifiers: ClinVar variation 3074983 (VCV003074983.2), dbSNP rs2485994379, ClinGen allele CA458644504.